The following is an entry in ClinVar:

NM_005902.4(SMAD3):c.1211T>C (p.Leu404Ser)

Gene: SMAD3 (SMAD family member 3; plus strand). Cytogenetic location: 15q22.33.
Variant type: single nucleotide variant.
Coding change: c.1211T>C on transcript NM_005902.4 (MANE Select); coding-DNA position 1211, T replaced by C.
Protein change: p.Leu404Ser; replaces leucine 404 with serine.
Molecular consequence: missense variant.
Genome position (GRCh38, 1-based): chr15:67,190,469, T>C. VCF-style: chr15-67190469-T-C. GRCh37 (hg19) VCF-style: chr15-67482807-T-C.
Other names: c.896T>C, p.Leu299Ser (NM_001145102.2); c.1079T>C, p.Leu360Ser (NM_001145103.2); c.626T>C, p.Leu209Ser (NM_001145104.2); short protein forms L404S, L360S, L299S, L209S.
Identifiers: ClinVar variation 452235 (VCV000452235.21), dbSNP rs1555414491, ClinGen allele CA392958816.

ClinVar aggregate classification (germline): Uncertain significance. Review status: criteria provided, multiple submitters, no conflicts (2 of 4 stars). 2 submissions from 2 submitters: Uncertain significance (2). Last evaluated 2023-04-19.

Conditions:
Aneurysm-osteoarthritis syndrome. Also called: SMAD3-Related Loeys-Dietz Syndrome; LOEYS-DIETZ SYNDROME WITH OSTEOARTHRITIS; ANEURYSMS-OSTEOARTHRITIS SYNDROME; Loeys-Dietz syndrome, type 1C. Identifiers: Orphanet 284984, MedGen C3151087, MONDO:0013426, OMIM 613795.

Submissions (2):

GeneDx
Classification: Uncertain significance. Last evaluated: 2023-04-19. Review status: criteria provided, single submitter. Criteria: GeneDx Variant Classification Process June 2021. Collection method: clinical testing. Allele origin: germline. Affected: yes.
Comment: Reported as a variant of uncertain significance in an individual with a Marfan phenotype in published literature (Meester et al., 2022); Not observed at significant frequency in large population cohorts (gnomAD); In silico analysis supports that this missense variant has a deleterious effect on protein structure/function; This variant is associated with the following publications: (PMID: 35058154)

Centre of Medical Genetics, University of Antwerp
Classification: Uncertain significance for Aneurysm-osteoarthritis syndrome. Last evaluated: 2021-03-01. Review status: criteria provided, single submitter. Criteria: ACMG Guidelines, 2015. Collection method: research. Allele origin: unknown. Affected: yes.
Comment: PM2, PP3, PM1